The following is an entry in ClinVar:

ClinVar aggregate classification (germline): Uncertain significance (1 of 4 stars; one submission).

Submission:

Labcorp Genetics (formerly Invitae), Labcorp
Classification: Uncertain significance. Last evaluated: 2022-10-17. Review status: criteria provided, single submitter. Criteria: Invitae Variant Classification Sherloc (09022015). Collection method: clinical testing. Allele origin: germline.
Comment: This variant has not been reported in the literature in individuals affected with PEX11B-related conditions. This variant is present in population databases (no rsID available, gnomAD 0.03%). This sequence change replaces alanine, which is neutral and non-polar, with threonine, which is neutral and polar, at codon 98 of the PEX11B protein (p.Ala98Thr). ClinVar contains an entry for this variant (Variation ID: 1518196). In summary, the available evidence is currently insufficient to determine the role of this variant in disease. Therefore, it has been classified as a Variant of Uncertain Significance. Algorithms developed to predict the effect of missense changes on protein structure and function are either unavailable or do not agree on the potential impact of this missense change (SIFT: "Tolerated"; PolyPhen-2: "Possibly Damaging"; Align-GVGD: "Class C0").

NM_003846.3(PEX11B):c.292G>A (p.Ala98Thr)

Gene: PEX11B (peroxisomal biogenesis factor 11 beta; minus strand). Cytogenetic location: 1q21.1.
Variant type: single nucleotide variant.
Coding change: c.292G>A on transcript NM_003846.3 (MANE Select); coding-DNA position 292, G replaced by A.
Protein change: p.Ala98Thr; replaces alanine 98 with threonine.
Molecular consequence: missense variant. On other transcripts: non-coding transcript variant (3).
Genome position (GRCh38, 1-based): chr1:145,916,899, C>T on the plus strand (G>A on the coding strand, the complement: PEX11B is on the minus strand). VCF-style: chr1-145916899-C-T. GRCh37 (hg19) VCF-style: chr1-145518190-G-A.
Other names: c.250G>A, p.Ala84Thr (NM_001184795.1); short protein forms A84T, A98T.
Identifiers: ClinVar variation 1518196 (VCV001518196.6), dbSNP rs1380475854, ClinGen allele CA342123343.